The following is an entry in ClinVar:

NM_032444.4(SLX4):c.3334A>G (p.Lys1112Glu)

Gene: SLX4 (SLX4 structure-specific endonuclease subunit; minus strand). Cytogenetic location: 16p13.3.
Variant type: single nucleotide variant.
Coding change: c.3334A>G on transcript NM_032444.4 (MANE Select); coding-DNA position 3334, A replaced by G.
Protein change: p.Lys1112Glu; replaces lysine 1112 with glutamic acid.
Molecular consequence: missense variant.
Genome position (GRCh38, 1-based): chr16:3,590,304, T>C on the plus strand (A>G on the coding strand, the complement: SLX4 is on the minus strand). VCF-style: chr16-3590304-T-C. GRCh37 (hg19) VCF-style: chr16-3640305-T-C.
Other names: short protein forms K1112E.
Identifiers: ClinVar variation 1466315 (VCV001466315.8), dbSNP rs570382990, ClinGen allele CA276959045.

ClinVar aggregate classification (germline): Uncertain significance (1 of 4 stars; one submission).

Conditions:
Fanconi anemia (FA). Also called: Fanconi's anemia. Identifiers: Orphanet 84, MedGen C0015625, MeSH D005199, MONDO:0019391.

gnomAD v4.1: 2 of 1,613,922 alleles (0.00012%); highest among the groups gnomAD compares: Non-Finnish European, 0.00017%; no homozygotes.

Submission:

Labcorp Genetics (formerly Invitae), Labcorp
Classification: Uncertain significance for Fanconi anemia. Last evaluated: 2022-10-19. Review status: criteria provided, single submitter. Criteria: Invitae Variant Classification Sherloc (09022015). Collection method: clinical testing. Allele origin: germline.
Comment: In summary, the available evidence is currently insufficient to determine the role of this variant in disease. Therefore, it has been classified as a Variant of Uncertain Significance. Algorithms developed to predict the effect of missense changes on protein structure and function are either unavailable or do not agree on the potential impact of this missense change (SIFT: "Tolerated"; PolyPhen-2: "Possibly Damaging"; Align-GVGD: "Class C0"). ClinVar contains an entry for this variant (Variation ID: 1466315). This variant has not been reported in the literature in individuals affected with SLX4-related conditions. This variant is not present in population databases (gnomAD no frequency). This sequence change replaces lysine, which is basic and polar, with glutamic acid, which is acidic and polar, at codon 1112 of the SLX4 protein (p.Lys1112Glu).